The following is an entry in ClinVar:

NM_015450.3(POT1):c.856G>A (p.Asp286Asn)

Gene: POT1 (protection of telomeres 1; minus strand). Cytogenetic location: 7q31.33.
Variant type: single nucleotide variant.
Coding change: c.856G>A on transcript NM_015450.3 (MANE Select); coding-DNA position 856, G replaced by A.
Protein change: p.Asp286Asn; replaces aspartic acid 286 with asparagine.
Molecular consequence: missense variant. On other transcripts: non-coding transcript variant (3).
Genome position (GRCh38, 1-based): chr7:124,852,985, C>T on the plus strand (G>A on the coding strand, the complement: POT1 is on the minus strand). VCF-style: chr7-124852985-C-T. GRCh37 (hg19) VCF-style: chr7-124493039-C-T.
Other names: c.463G>A, p.Asp155Asn (NM_001042594.2); short protein forms D286N, D155N.
Identifiers: ClinVar variation 934972 (VCV000934972.8), dbSNP rs1460322063, ClinGen allele CA369055208.

ClinVar aggregate classification (germline): Uncertain significance. Review status: criteria provided, multiple submitters, no conflicts (2 of 4 stars). 2 submissions from 2 submitters: Uncertain significance (2). Last evaluated 2026-06-15.

Conditions:
Tumor predisposition syndrome 3 (TPDS3). Also called: Glioma susceptibility 9; LONG TELOMERE SYNDROME, POT1-RELATED; POT1 Tumor Predisposition; Melanoma, cutaneous malignant, susceptibility to, 10. Identifiers: Orphanet 618, MedGen C4014476, MONDO:0014368, OMIM 615848.
Hereditary cancer-predisposing syndrome. Also called: Neoplastic Syndromes, Hereditary; Hereditary Cancer Syndrome; Tumor predisposition; Hereditary neoplastic syndrome. Identifiers: Orphanet 140162, MedGen C0027672, MeSH D009386, MONDO:0015356.

gnomAD v4.1: 4 of 1,610,556 alleles (0.00025%); highest among the groups gnomAD compares: Non-Finnish European, 0.00034%; no homozygotes.

Submissions (2):

Ambry Genetics
Classification: Uncertain significance for Hereditary cancer-predisposing syndrome. Last evaluated: 2026-06-15. Review status: criteria provided, single submitter. Criteria: Ambry Variant Classification Scheme 2023. Collection method: clinical testing. Allele origin: germline.

Labcorp Genetics (formerly Invitae), Labcorp
Classification: Uncertain significance for Tumor predisposition syndrome 3. Last evaluated: 2022-06-13. Review status: criteria provided, single submitter. Criteria: Invitae Variant Classification Sherloc (09022015). Collection method: clinical testing. Allele origin: germline.
Comment: In summary, the available evidence is currently insufficient to determine the role of this variant in disease. Therefore, it has been classified as a Variant of Uncertain Significance. Algorithms developed to predict the effect of sequence changes on RNA splicing suggest that this variant may disrupt the consensus splice site. Algorithms developed to predict the effect of missense changes on protein structure and function (SIFT, PolyPhen-2, Align-GVGD) all suggest that this variant is likely to be tolerated. ClinVar contains an entry for this variant (Variation ID: 934972). This variant has not been reported in the literature in individuals affected with POT1-related conditions. This variant is not present in population databases (gnomAD no frequency). This sequence change replaces aspartic acid, which is acidic and polar, with asparagine, which is neutral and polar, at codon 286 of the POT1 protein (p.Asp286Asn).